The following is an entry in ClinVar:

ClinVar aggregate classification (germline): Likely benign (1 of 4 stars; one submission).

Conditions:
CLPTM1-related disorder. Also called: CLPTM1-related condition.

gnomAD v4.1: 164 of 1,612,448 alleles (0.01%); highest among the groups gnomAD compares: Middle Eastern, 0.033%; no homozygotes.

Submission:

PreventionGenetics, part of Exact Sciences
Classification: Likely benign for CLPTM1-related condition. Last evaluated: 2025-12-19. Review status: criteria provided, single submitter. Criteria: ACMG Guidelines, 2015. Collection method: clinical testing. Allele origin: germline.
Comment: This variant is classified as likely benign based on ACMG/AMP sequence variant interpretation guidelines (Richards et al. 2015 PMID: 25741868, with internal and published modifications).

NM_001294.4(CLPTM1):c.1874C>T (p.Pro625Leu)

Gene: CLPTM1 (CLPTM1 regulator of GABA type A receptor forward trafficking; plus strand). Cytogenetic location: 19q13.32.
Variant type: single nucleotide variant.
Coding change: c.1874C>T on transcript NM_001294.4 (MANE Select); coding-DNA position 1874, C replaced by T.
Protein change: p.Pro625Leu; replaces proline 625 with leucine.
Molecular consequence: missense variant.
Genome position (GRCh38, 1-based): chr19:44,992,761, C>T. VCF-style: chr19-44992761-C-T. GRCh37 (hg19) VCF-style: chr19-45496019-C-T.
Other names: c.1832C>T, p.Pro611Leu (NM_001282175.2); c.1568C>T, p.Pro523Leu (NM_001282176.2); short protein forms P625L, P523L, P611L.
Identifiers: ClinVar variation 4979518 (VCV004979518.1).